The following is an entry in ClinVar:

ClinVar aggregate classification (germline): Pathogenic (1 of 4 stars; one submission).

Submission:

Labcorp Genetics (formerly Invitae), Labcorp
Classification: Pathogenic. Last evaluated: 2022-11-04. Review status: criteria provided, single submitter. Criteria: Invitae Variant Classification Sherloc (09022015). Collection method: clinical testing. Allele origin: germline.
Comment: For these reasons, this variant has been classified as Pathogenic. Advanced modeling of protein sequence and biophysical properties (such as structural, functional, and spatial information, amino acid conservation, physicochemical variation, residue mobility, and thermodynamic stability) performed at Invitae indicates that this missense variant is expected to disrupt KMT2A protein function. This missense change has been observed in individual(s) with clinical features of KMT2A-related conditions (Invitae). In at least one individual the variant was observed to be de novo. This variant is not present in population databases (gnomAD no frequency). This sequence change replaces serine, which is neutral and polar, with leucine, which is neutral and non-polar, at codon 634 of the KMT2A protein (p.Ser634Leu).

NM_001197104.2(KMT2A):c.1901C>T (p.Ser634Leu)

Gene: KMT2A (lysine methyltransferase 2A; plus strand). Cytogenetic location: 11q23.3.
Variant type: single nucleotide variant.
Coding change: c.1901C>T on transcript NM_001197104.2 (MANE Select); coding-DNA position 1901, C replaced by T.
Protein change: p.Ser634Leu; replaces serine 634 with leucine.
Molecular consequence: missense variant.
Genome position (GRCh38, 1-based): chr11:118,473,060, C>T. VCF-style: chr11-118473060-C-T. GRCh37 (hg19) VCF-style: chr11-118343775-C-T.
Other names: c.2000C>T, p.Ser667Leu (NM_001412597.1); c.1901C>T, p.Ser634Leu (NM_005933.4); short protein forms S634L, S667L.
Identifiers: ClinVar variation 1719442 (VCV001719442.5), dbSNP rs2134265043, ClinGen allele CA382811596.
Genomic context (GRCh38, chr11:118,473,060, plus strand): 5'-AACCGACATTTAGGTGGACTTCTTTAAAGCATTCTAGGTCAGAGCCACAATACTTTTCCT[C>T]AGCAAAGTATGCCAAAGAAGGTCTTATTCGCAAACCAATATTTGATAATTTCCGACCCCC-3'
Protein context (NP_001184033.1, residues 624-644): HSRSEPQYFS[Ser634Leu]AKYAKEGLIR